The following is an entry in ClinVar:

ClinVar aggregate classification (germline): Likely benign (1 of 4 stars; one submission).

Conditions:
CIC-related disorder. Also called: CIC-related condition.

gnomAD v4.1: 16 of 1,610,584 alleles (0.00099%); highest among the groups gnomAD compares: East Asian, 0.029%; no homozygotes.

Submission:

PreventionGenetics, part of Exact Sciences
Classification: Likely benign for CIC-related condition. Last evaluated: 2025-12-04. Review status: criteria provided, single submitter. Criteria: ACMG Guidelines, 2015. Collection method: clinical testing. Allele origin: germline.
Comment: This variant is classified as likely benign based on ACMG/AMP sequence variant interpretation guidelines (Richards et al. 2015 PMID: 25741868, with internal and published modifications).

NM_001386298.1(CIC):c.3579G>A (p.Thr1193=)

Gene: CIC (capicua transcriptional repressor; plus strand). Cytogenetic location: 19q13.2.
Variant type: single nucleotide variant.
Coding change: c.3579G>A on transcript NM_001386298.1 (MANE Select); coding-DNA position 3579, G replaced by A.
Protein change: p.Thr1193=; no amino-acid change (threonine 1193 retained).
Molecular consequence: synonymous variant.
Genome position (GRCh38, 1-based): chr19:42,287,896, G>A. VCF-style: chr19-42287896-G-A. GRCh37 (hg19) VCF-style: chr19-42792048-G-A.
Other names: c.3579G>A, p.Thr1193= (NM_001304815.2, NM_001379480.1, NM_001379482.1 and 6 more transcripts); c.852G>A, p.Thr284= (NM_001379484.1, NM_001379485.1, NM_001439189.1 and 3 more transcripts).
Identifiers: ClinVar variation 4992197 (VCV004992197.1).